The following is an entry in ClinVar:

NM_005909.5(MAP1B):c.1312A>T (p.Met438Leu)

Gene: MAP1B (microtubule associated protein 1B; plus strand). Cytogenetic location: 5q13.2.
Variant type: single nucleotide variant.
Coding change: c.1312A>T on transcript NM_005909.5 (MANE Select); coding-DNA position 1312, A replaced by T.
Protein change: p.Met438Leu; replaces methionine 438 with leucine.
Molecular consequence: missense variant.
Genome position (GRCh38, 1-based): chr5:72,194,667, A>T. VCF-style: chr5-72194667-A-T. GRCh37 (hg19) VCF-style: chr5-71490494-A-T.
Other names: c.934A>T, p.Met312Leu (NM_001324255.2); short protein forms M312L, M438L.
Identifiers: ClinVar variation 1707863 (VCV001707863.2), dbSNP rs1747107081, ClinGen allele CA359997990.
Genomic context (GRCh38, chr5:72,194,667, plus strand): 5'-GGTAAACTTGAGATGTATGTGCTTAATCCAGTCAAGAGCAGCAAGGAAATGCAGTATTTT[A>T]TGCAGCAGTGGACTGGTACCAACAAAGACAAGGCTGAATTCATTCTGCCTAATGGTCAAG-3'
Protein context (NP_005900.2, residues 428-448): VKSSKEMQYF[Met438Leu]QQWTGTNKDK

ClinVar aggregate classification (germline): Uncertain significance (1 of 4 stars; one submission).

Allele frequency attached by ClinVar (database versions not stated): TOPMed 0.00001.

Submission:

GeneDx
Classification: Uncertain significance. Last evaluated: 2022-03-28. Review status: criteria provided, single submitter. Criteria: GeneDx Variant Classification Process June 2021. Collection method: clinical testing. Allele origin: germline. Affected: yes.
Comment: Not observed at significant frequency in large population cohorts (gnomAD); In silico analysis supports that this missense variant does not alter protein structure/function; Has not been previously published as pathogenic or benign to our knowledge